The following is an entry in ClinVar:

NM_024334.3(TMEM43):c.798G>A (p.Arg266=)

Gene: TMEM43 (transmembrane protein 43; plus strand). Cytogenetic location: 3p25.1.
Variant type: single nucleotide variant.
Coding change: c.798G>A on transcript NM_024334.3 (MANE Select); coding-DNA position 798, G replaced by A.
Protein change: p.Arg266=; no amino-acid change (arginine 266 retained).
Molecular consequence: synonymous variant.
Genome position (GRCh38, 1-based): chr3:14,135,824, G>A. VCF-style: chr3-14135824-G-A. GRCh37 (hg19) VCF-style: chr3-14177324-G-A.
Other names: p.Arg266=.
Identifiers: ClinVar variation 378734 (VCV000378734.31), dbSNP rs139078900, ClinGen allele CA055586.

ClinVar aggregate classification (germline): Benign/Likely benign. Review status: criteria provided, multiple submitters, no conflicts (2 of 4 stars). 15 submissions from 15 submitters: Benign (2); Likely benign (7). 6 of the submissions do not count toward it. Last evaluated 2026-01-26.

Conditions:
Arrhythmogenic right ventricular dysplasia 5. Also called: Arrhythmogenic Right Ventricular Dysplasia/Cardiomyopathy 5; ARRHYTHMOGENIC RIGHT VENTRICULAR DYSPLASIA, FAMILIAL, 5. Identifiers: MedGen C1858379, MONDO:0011459, OMIM 604400.
Emery-Dreifuss muscular dystrophy 7, autosomal dominant (EDMD7). Also called: Emery-Dreifuss muscular dystrophy 7, AD. Identifiers: Orphanet 261, MedGen C3553060, MONDO:0013677, OMIM 614302.
Auditory neuropathy, autosomal dominant 3 (AUNA3). Identifiers: MedGen C5676964, MONDO:0859235, OMIM 619832.
Cardiomyopathy (CMYO). Also called: Cardiomyopathies. Identifiers: Orphanet 167848, MedGen C0878544, MONDO:0004994, HP:0001638. Inheritance: Various modes of inheritance.
TMEM43-related disorder. Also called: TMEM43-related condition.
Cardiovascular phenotype. Identifiers: MedGen CN230736.

Allele frequency attached by ClinVar (database versions not stated): gnomAD 0.00008; TOPMed 0.00009; gnomAD exomes 0.00011; ExAC 0.00015; ESP Exome Variant Server 0.00023.
gnomAD v4.1: 168 of 1,613,400 alleles (0.01%); highest among the groups gnomAD compares: Non-Finnish European, 0.013%; no homozygotes.

Submissions (15):

Labcorp Genetics (formerly Invitae), Labcorp
Classification: Likely benign for Arrhythmogenic right ventricular dysplasia 5. Last evaluated: 2026-01-26. Review status: criteria provided, single submitter. Criteria: Invitae Variant Classification Sherloc (09022015). Collection method: clinical testing. Allele origin: germline.

Mayo Clinic Laboratories, Mayo Clinic
Classification: Likely benign. Last evaluated: 2025-06-25. Review status: criteria provided, single submitter. Criteria: ACMG Guidelines, 2015. Collection method: clinical testing. Allele origin: germline. Observed: 1 variant allele.
Comment: BP4, BP7

All of Us Research Program, National Institutes of Health
Classification: Likely benign for Arrhythmogenic right ventricular dysplasia 5. Last evaluated: 2023-12-18. Review status: criteria provided, single submitter. Criteria: ACMG Guidelines, 2015. Collection method: clinical testing. Allele origin: germline. Inheritance: Autosomal dominant inheritance. Observed: 18 variant alleles, 18 heterozygotes.
Comment: This study involves interpretation of variants in research participants for the purpose of population health screening. Participant phenotype was not available at the time of variant classification. Additional details can be found in publication PMID: 35346344, PMCID: PMC8962531

Blueprint Genetics
Classification: Likely benign. Last evaluated: 2023-11-07. Review status: criteria provided, single submitter. Criteria: ACMG Guidelines, 2015. Collection method: clinical testing. Allele origin: germline.

Women's Health and Genetics/Laboratory Corporation of America, LabCorp
Classification: Benign. Last evaluated: 2023-04-17. Review status: criteria provided, single submitter. Criteria: LabCorp Variant Classification Summary - May 2015. Collection method: clinical testing. Allele origin: germline.

Fulgent Genetics
Classification: Likely benign for Arrhythmogenic right ventricular dysplasia 5; Emery-Dreifuss muscular dystrophy 7, autosomal dominant; Auditory neuropathy, autosomal dominant 3. Last evaluated: 2021-08-10. Review status: criteria provided, single submitter. Criteria: ACMG Guidelines, 2015. Collection method: clinical testing. Allele origin: unknown.

Ambry Genetics
Classification: Likely benign for Cardiovascular phenotype. Last evaluated: 2019-01-09. Review status: criteria provided, single submitter. Criteria: Ambry Variant Classification Scheme 2023. Collection method: clinical testing. Allele origin: germline.

Color Diagnostics, LLC DBA Color Health
Classification: Likely benign for Cardiomyopathy. Last evaluated: 2018-12-03. Review status: criteria provided, single submitter. Criteria: ACMG Guidelines, 2015. Collection method: clinical testing. Allele origin: germline.

GeneDx
Classification: Benign. Last evaluated: 2016-05-03. Review status: criteria provided, single submitter. Criteria: GeneDx Variant Classification (06012015). Collection method: clinical testing. Allele origin: germline. Affected: yes.
Comment: This variant is considered likely benign or benign based on one or more of the following criteria: it is a conservative change, it occurs at a poorly conserved position in the protein, it is predicted to be benign by multiple in silico algorithms, and/or has population frequency not consistent with disease.

PreventionGenetics, part of Exact Sciences
Classification: Likely benign for TMEM43-related condition. Last evaluated: 2019-06-26. Review status: no assertion criteria provided. Collection method: clinical testing. Allele origin: germline. Not counted in ClinVar's aggregate classification.
Comment: This variant is classified as likely benign based on ACMG/AMP sequence variant interpretation guidelines (Richards et al. 2015 PMID: 25741868, with internal and published modifications).

Clinical Genetics DNA and cytogenetics Diagnostics Lab, Erasmus MC, Erasmus Medical Center
Classification: Likely benign. Review status: no assertion criteria provided. Collection method: clinical testing. Allele origin: germline. Affected: yes. Study: VKGL Data-share Consensus. Not counted in ClinVar's aggregate classification.

Clinical Genetics, Academic Medical Center
Classification: Benign. Review status: no assertion criteria provided. Collection method: clinical testing. Allele origin: germline. Affected: yes. Study: VKGL Data-share Consensus. Not counted in ClinVar's aggregate classification.

Diagnostic Laboratory, Department of Genetics, University Medical Center Groningen
Classification: Likely benign. Review status: no assertion criteria provided. Collection method: clinical testing. Allele origin: germline. Affected: yes. Study: VKGL Data-share Consensus. Not counted in ClinVar's aggregate classification.

Genome Diagnostics Laboratory, University Medical Center Utrecht
Classification: Likely benign. Review status: no assertion criteria provided. Collection method: clinical testing. Allele origin: germline. Affected: yes. Study: VKGL Data-share Consensus. Not counted in ClinVar's aggregate classification.

Joint Genome Diagnostic Labs from Nijmegen and Maastricht, Radboudumc and MUMC+
Classification: Likely benign. Review status: no assertion criteria provided. Collection method: clinical testing. Allele origin: germline. Affected: yes. Study: VKGL Data-share Consensus. Not counted in ClinVar's aggregate classification.